The following is an entry in ClinVar:

ClinVar aggregate classification (germline): Likely benign (1 of 4 stars; one submission).

Conditions:
Leukodystrophy, hypomyelinating, 19, transient infantile. Identifiers: MedGen C5231463, MONDO:0032871, OMIM 618688.

gnomAD v4.1: 9 of 1,614,198 alleles (0.00056%); highest among the groups gnomAD compares: South Asian, 0.0099%; no homozygotes.

Submission:

Centre for Medical Genetics,  Mumbai
Classification: Likely benign for Leukodystrophy, hypomyelinating, 19, transient infantile. Last evaluated: 2026-03-09. Review status: criteria provided, single submitter. Criteria: ACMG Guidelines, 2015. Collection method: provider interpretation. Allele origin: germline. Inheritance: Autosomal dominant inheritance. Affected: no. Observed: 1 variant allele, 1 heterozygote.
Comment: The variant satisfies PM2 criteria; Extremely low frequency in gnomAD population databases. However, the variant satisfies BS2 criteria.

Literature cited by the submitters: PubMed 31587869.

NM_014698.3(TMEM63A):c.968A>C (p.Tyr323Ser)

Gene: TMEM63A (transmembrane protein 63A; minus strand). Cytogenetic location: 1q42.12.
Variant type: single nucleotide variant.
Coding change: c.968A>C on transcript NM_014698.3 (MANE Select); coding-DNA position 968, A replaced by C.
Protein change: p.Tyr323Ser; replaces tyrosine 323 with serine.
Molecular consequence: missense variant.
Genome position (GRCh38, 1-based): chr1:225,862,335, T>G on the plus strand (A>C on the coding strand, the complement: TMEM63A is on the minus strand). VCF-style: chr1-225862335-T-G. GRCh37 (hg19) VCF-style: chr1-226050035-T-G.
Other names: short protein forms Y323S.
Identifiers: ClinVar variation 4819415 (VCV004819415.1).